The following is an entry in ClinVar:

NM_001164508.2(NEB):c.9377T>C (p.Val3126Ala)

Gene: NEB (nebulin; minus strand). Cytogenetic location: 2q23.3.
Variant type: single nucleotide variant.
Coding change: c.9377T>C on transcript NM_001164508.2 (MANE Select); coding-DNA position 9377, T replaced by C.
Protein change: p.Val3126Ala; replaces valine 3126 with alanine.
Molecular consequence: missense variant. On other transcripts: intron variant (1).
Genome position (GRCh38, 1-based): chr2:151,633,691, A>G on the plus strand (T>C on the coding strand, the complement: NEB is on the minus strand). VCF-style: chr2-151633691-A-G. GRCh37 (hg19) VCF-style: chr2-152490205-A-G.
Other names: c.9377T>C, p.Val3126Ala (NM_001164507.2, NM_001271208.2); c.8854-2513T>C (NM_004543.5); short protein forms V3126A.
Identifiers: ClinVar variation 681569 (VCV000681569.1), dbSNP rs1560731497, ClinGen allele CA348802687.

ClinVar aggregate classification (germline): Likely benign (1 of 4 stars; one submission).

Allele frequency attached by ClinVar (database versions not stated): gnomAD exomes below 0.00001.
gnomAD v4.1: 9 of 1,613,862 alleles (0.00056%); highest among the groups gnomAD compares: Non-Finnish European, 0.00076%; no homozygotes.

Submission:

GeneDx
Classification: Likely benign. Last evaluated: 2018-04-09. Review status: criteria provided, single submitter. Criteria: GeneDx Variant Classification (06012015). Collection method: clinical testing. Allele origin: germline. Affected: yes.
Comment: This variant is considered likely benign or benign based on one or more of the following criteria: it is a conservative change, it occurs at a poorly conserved position in the protein, it is predicted to be benign by multiple in silico algorithms, and/or has population frequency not consistent with disease.